The following is an entry in ClinVar:

NM_018129.4(PNPO):c.284G>A (p.Arg95His)

Gene: PNPO (pyridoxamine 5'-phosphate oxidase; plus strand). Cytogenetic location: 17q21.32.
Variant type: single nucleotide variant.
Coding change: c.284G>A on transcript NM_018129.4 (MANE Select); coding-DNA position 284, G replaced by A.
Protein change: p.Arg95His; replaces arginine 95 with histidine.
Molecular consequence: missense variant.
Genome position (GRCh38, 1-based): chr17:47,944,636, G>A. VCF-style: chr17-47944636-G-A. GRCh37 (hg19) VCF-style: chr17-46022002-G-A.
Other names: short protein forms R95H.
Identifiers: ClinVar variation 849386 (VCV000849386.13), dbSNP rs552833222, ClinGen allele CA8629143.

ClinVar aggregate classification (germline): Pathogenic. Review status: criteria provided, multiple submitters, no conflicts (2 of 4 stars). 2 submissions from 2 submitters: Pathogenic (2). Last evaluated 2025-12-14.

Conditions:
Pyridoxal phosphate-responsive seizures (PNPOD). Also called: Pyridoxal 5'-Phosphate (PLP)-Dependent Epilepsy; SEIZURES, PYRIDOXINE-RESISTANT, PLP-SENSITIVE; EPILEPTIC ENCEPHALOPATHY, NEONATAL, PNPO-RELATED; Pyridoxine-5'-phosphate oxidase deficiency; Pyridoxamine 5-Prime-Phosphate Oxidase Deficiency. Identifiers: Orphanet 79096, MedGen C1864723, MONDO:0012407, OMIM 610090. Disease mechanism: loss of function.

Allele frequency attached by ClinVar (database versions not stated): gnomAD 0.00001; gnomAD exomes 0.00001; ExAC 0.00002.

Submissions (2):

Labcorp Genetics (formerly Invitae), Labcorp
Classification: Pathogenic for Pyridoxal phosphate-responsive seizures. Last evaluated: 2025-12-14. Review status: criteria provided, single submitter. Criteria: Invitae Variant Classification Sherloc (09022015). Collection method: clinical testing. Allele origin: germline.
Comment: This sequence change replaces arginine, which is basic and polar, with histidine, which is basic and polar, at codon 95 of the PNPO protein (p.Arg95His). This variant is present in population databases (rs552833222, gnomAD 0.006%). This missense change has been observed in individual(s) with neonatal onset seizures (PMID: 18485777, 24645144). In at least one individual the data is consistent with being in trans (on the opposite chromosome) from a pathogenic variant. ClinVar contains an entry for this variant (Variation ID: 849386). Invitae Evidence Modeling of protein sequence and biophysical properties (such as structural, functional, and spatial information, amino acid conservation, physicochemical variation, residue mobility, and thermodynamic stability) indicates that this missense variant is expected to disrupt PNPO protein function with a positive predictive value of 80%. Experimental studies have shown that this missense change affects PNPO function (PMID: 18485777). For these reasons, this variant has been classified as Pathogenic.

Women's Health and Genetics/Laboratory Corporation of America, LabCorp
Classification: Pathogenic for Pyridoxal phosphate-responsive seizures. Last evaluated: 2025-04-11. Review status: criteria provided, single submitter. Criteria: LabCorp Variant Classification Summary - May 2015. Collection method: clinical testing. Allele origin: germline.
Comment: Variant summary: PNPO c.284G>A (p.Arg95His) results in a non-conservative amino acid change located in the putative PNPOx (Pyridoxamine 5'-phosphate oxidase) domain (IPR011576) of the encoded protein sequence. Five of five in-silico tools predict a damaging effect of the variant on protein function. The variant allele was found at a frequency of 1.2e-05 in 251492 control chromosomes. c.284G>A has been reported in the literature in individuals affected with Epilepsy (Khayat_2008, Mills_2014, Truty_2019), including one homozygote (Khayat_2008). These data indicate that the variant may be associated with disease. At least one publication reported experimental evidence evaluating an impact on protein function, and demonstrated reduced activity for the variant protein (Khayat_2008). Other variant(s) that disrupt this residue have been determined to be pathogenic (p.Arg95Cys). The following publications have been ascertained in the context of this evaluation (PMID: 24645144, 31440721, 35217610, 18485777). ClinVar contains an entry for this variant (Variation ID: 849386). Based on the evidence outlined above, the variant was classified as pathogenic.

Literature cited by the submitters: PubMed 18485777 (cited by Labcorp Genetics (formerly Invitae), Labcorp and Women's Health and Genetics/Laboratory Corporation of America, LabCorp); PubMed 24645144 (cited by Labcorp Genetics (formerly Invitae), Labcorp and Women's Health and Genetics/Laboratory Corporation of America, LabCorp); PubMed 31440721 (cited by Women's Health and Genetics/Laboratory Corporation of America, LabCorp); PubMed 35217610 (cited by Women's Health and Genetics/Laboratory Corporation of America, LabCorp).